The following is an entry in ClinVar:

ClinVar aggregate classification (germline): Uncertain significance (1 of 4 stars; one submission).

Submission:

Labcorp Genetics (formerly Invitae), Labcorp
Classification: Uncertain significance. Last evaluated: 2025-06-12. Review status: criteria provided, single submitter. Criteria: Invitae Variant Classification Sherloc (09022015). Collection method: clinical testing. Allele origin: germline.
Comment: This sequence change replaces arginine, which is basic and polar, with lysine, which is basic and polar, at codon 401 of the ADCY10 protein (p.Arg401Lys). This variant is not present in population databases (gnomAD no frequency). This variant has not been reported in the literature in individuals affected with ADCY10-related conditions. ClinVar contains an entry for this variant (Variation ID: 1715876). An algorithm developed to predict the effect of missense changes on protein structure and function (PolyPhen-2) suggests that this variant is likely to be disruptive. In summary, the available evidence is currently insufficient to determine the role of this variant in disease. Therefore, it has been classified as a Variant of Uncertain Significance.

NM_018417.6(ADCY10):c.1202G>A (p.Arg401Lys)

Genes: ADCY10 (adenylate cyclase 10; minus strand), DCAF6 (DDB1 and CUL4 associated factor 6; plus strand). Cytogenetic location: 1q24.2.
Variant type: single nucleotide variant.
Coding change: c.1202G>A on transcript NM_018417.6 (MANE Select); coding-DNA position 1202, G replaced by A.
Protein change: p.Arg401Lys; replaces arginine 401 with lysine.
Molecular consequence: missense variant.
Genome position (GRCh38, 1-based): chr1:167,880,129, C>T on the plus strand (G>A on the coding strand, the complement: ADCY10 is on the minus strand). VCF-style: chr1-167880129-C-T. GRCh37 (hg19) VCF-style: chr1-167849367-C-T.
Other names: c.743G>A, p.Arg248Lys (NM_001167749.3); c.926G>A, p.Arg309Lys (NM_001297772.2); short protein forms R248K, R309K, R401K.
Identifiers: ClinVar variation 1715876 (VCV001715876.5), dbSNP rs767810413, ClinGen allele CA343098610.